The following is an entry in ClinVar:

ClinVar aggregate classification (germline): Uncertain significance (1 of 4 stars; one submission).

Conditions:
Progressive muscular dystrophy. Identifiers: Orphanet 206644, MedGen C4551827, MONDO:0016106.

Submission:

Myriad Genetics, Inc.
Classification: Uncertain significance for Progressive muscular dystrophy. Last evaluated: 2026-07-21. Review status: criteria provided, single submitter. Criteria: Myriad Autosomal Dominant, Autosomal Recessive and X-Linked Classification Criteria (2023). Collection method: clinical testing. Allele origin: unknown.
Comment: NM_004006.2(DMD):c.9816_9818delTAA(N3272del) is an in-frame deletion classified as a variant of uncertain significance in the context of dystrophinopathy (including Duchenne/Becker muscular dystrophy). N3272del has not been observed in cases with relevant disease. Relevant functional assessments of this variant are not available in the literature. N3272del has not been observed in referenced population frequency databases. In summary, there is insufficient evidence to classify NM_004006.2(DMD):c.9816_9818delTAA(N3272del) as pathogenic or benign. Please note: this variant was assessed in the context of healthy population screening.

NM_004006.3(DMD):c.9810TAA[2] (p.Asn3272del)

Gene: DMD (dystrophin; minus strand). Cytogenetic location: Xp21.2.
Variant type: Microsatellite.
Coding change: c.9810TAA[2] on transcript NM_004006.3 (MANE Select); two copies in a row of the 3-base unit TAA starting at c.9810; the reference has three copies in a row; one copy, 3 bases deleted.
Protein change: p.Asn3272del; deletes asparagine 3272.
Molecular consequence: inframe deletion.
Genome position (GRCh38, 1-based): chrX:31,182,894-31,182,896, TTA deleted on the plus strand (TAA on the coding strand, the reverse complement: DMD is on the minus strand); deleting any 3 consecutive bases within chrX:31,182,894-31,182,902 gives the same sequence; the position shown is the placement nearest the transcript's 3' end. VCF-style (leftmost placement, unchanged base first): chrX-31182893-CTTA-C. GRCh37 (hg19) VCF-style: chrX-31201010-CTTA-C.
Other names: c.9786TAA[2], p.Asn3264del (NM_000109.4); c.9798TAA[2], p.Asn3268del (NM_004009.3); c.9441TAA[2], p.Asn3149del (NM_004010.3); c.5787TAA[2], p.Asn1931del (NM_004011.4); c.5778TAA[2], p.Asn1928del (NM_004012.4); c.2430TAA[2], p.Asn812del (NM_004013.3, NM_004020.4, NM_004021.3 and 2 more transcripts); c.1623TAA[2], p.Asn543del (NM_004014.3); c.606TAA[2], p.Asn204del (NM_004015.3, NM_004016.3, NM_004017.3 and 2 more transcripts); short protein forms N3264del, N3272del, N1928del, N3268del, N543del, N1931del, N3149del, N204del.
Identifiers: ClinVar variation 5004802 (VCV005004802.1).
Genomic context (GRCh38, chrX:31,182,893, plus strand): 5'-CACCATGGACTGGGGTTCCAGTCTCATCCAGTCTAGGAAGAGGGCCGCTTCGATCTCTGG[CTTA>C]TTATTAGCCTGCAAAGACAGGAGGGAGAGAGAAGGAGGGCAAAAGGATGAAAGGAAAGAA-3'